The following is an entry in ClinVar:

ClinVar aggregate classification (germline): Uncertain significance (1 of 4 stars; one submission).

gnomAD v4.1: 2 of 1,611,658 alleles (0.00012%); highest among the groups gnomAD compares: African/African-American, 0.0013%; no homozygotes.

Submission:

GeneDx
Classification: Uncertain significance. Last evaluated: 2026-02-24. Review status: criteria provided, single submitter. Criteria: GeneDx Variant Classification Process June 2021. Collection method: clinical testing. Allele origin: germline.
Comment: Not observed at significant frequency in large population cohorts (gnomAD); In silico analysis supports that this missense variant has a deleterious effect on protein structure/function; Has not been previously published as pathogenic or benign to our knowledge

NM_197968.4(ZMYM2):c.2764G>T (p.Ala922Ser)

Gene: ZMYM2 (zinc finger MYM-type containing 2; plus strand). Cytogenetic location: 13q12.11.
Variant type: single nucleotide variant.
Coding change: c.2764G>T on transcript NM_197968.4 (MANE Select); coding-DNA position 2764, G replaced by T.
Protein change: p.Ala922Ser; replaces alanine 922 with serine.
Molecular consequence: missense variant. On other transcripts: non-coding transcript variant (1).
Genome position (GRCh38, 1-based): chr13:20,061,077, G>T. VCF-style: chr13-20061077-G-T. GRCh37 (hg19) VCF-style: chr13-20635217-G-T.
Other names: c.2764G>T, p.Ala922Ser (NM_001190964.4, NM_001190965.4, NM_001353157.2 and 5 more transcripts); c.2569G>T, p.Ala857Ser (NM_001353161.3); c.2503G>T, p.Ala835Ser (NM_001353163.2); short protein forms A835S, A857S, A922S.
Identifiers: ClinVar variation 4975199 (VCV004975199.1).